The following is an entry in ClinVar:

ClinVar aggregate classification (germline): Likely pathogenic (1 of 4 stars; one submission).

Conditions:
F8-related disorder. Also called: F8-related condition.

Submission:

PreventionGenetics, part of Exact Sciences
Classification: Likely pathogenic for F8-related condition. Last evaluated: 2023-05-04. Review status: criteria provided, single submitter. Criteria: ACMG Guidelines, 2015. Collection method: clinical testing. Allele origin: germline.
Comment: The F8 c.5881T>C variant is predicted to result in the amino acid substitution p.Trp1961Arg. This variant is also described using legacy nomenclature as p.Trp1942Arg, has been reported in individuals with Hemophilia A (Fernandez-Lopez et al. 2005. PubMed ID: 15921397; Gouw et al. 2011. PubMed ID: 21070499. Table S1; Abdul-Ghafar et al. 2010. PubMed ID: 20028422). A similar variant, c.5881T>A (p.Trp1961Arg), has also been reported in an individual with Hemophilia A (Rossetti et al. 2007. PubMed ID: 17550859). Functional studies showed that this variant could affect the F8 activity (Markoff et al. 2009. PubMed ID: 19473423. Table S1). This variant has not been reported in a large population database, indicating this variant is rare. This variant is interpreted as likely pathogenic.

NM_000132.4(F8):c.5881T>C (p.Trp1961Arg)

Gene: F8 (coagulation factor VIII; minus strand). Cytogenetic location: Xq28.
Variant type: single nucleotide variant.
Coding change: c.5881T>C on transcript NM_000132.4 (MANE Select); coding-DNA position 5881, T replaced by C.
Protein change: p.Trp1961Arg; replaces tryptophan 1961 with arginine.
Molecular consequence: missense variant.
Genome position (GRCh38, 1-based): chrX:154,904,023, A>G on the plus strand (T>C on the coding strand, the complement: F8 is on the minus strand). VCF-style: chrX-154904023-A-G. GRCh37 (hg19) VCF-style: chrX-154132298-A-G.
Other names: short protein forms W1961R.
Identifiers: ClinVar variation 2633302 (VCV002633302.1), dbSNP rs1301600876, ClinGen allele CA414906253.